The following is an entry in ClinVar:

ClinVar aggregate classification (germline): Uncertain significance (1 of 4 stars; one submission).

gnomAD v4.1: 1 of 1,614,028 alleles (0.000062%); highest among the groups gnomAD compares: African/African-American, 0.0013%; no homozygotes.

Submission:

Dasa
Classification: Uncertain significance. Last evaluated: 2026-06-05. Review status: criteria provided, single submitter. Criteria: DASA Assertion Criteria. Collection method: clinical testing. Allele origin: germline.
Comment: NM_020159.5(SMARCAD1):c.10T>C (p.Phe4Leu) is a missense variant that results in the substitution of phenylalanine with leucine. This variant is rare in population databases. The currently available literature and clinical evidence are not sufficient to establish a definitive association between this variant and the reported condition. Therefore, this variant is classified as a variant of uncertain significance.

NM_020159.5(SMARCAD1):c.10T>C (p.Phe4Leu)

Gene: SMARCAD1 (SNF2 related chromatin remodeling ATPase with DExD box 1; plus strand). Cytogenetic location: 4q22.3.
Variant type: single nucleotide variant.
Coding change: c.10T>C on transcript NM_020159.5 (MANE Select); coding-DNA position 10, T replaced by C.
Protein change: p.Phe4Leu; replaces phenylalanine 4 with leucine.
Molecular consequence: missense variant. On other transcripts: non-coding transcript variant (17).
Genome position (GRCh38, 1-based): chr4:94,208,404, T>C. VCF-style: chr4-94208404-T-C. GRCh37 (hg19) VCF-style: chr4-95129555-T-C.
Other names: c.10T>C, p.Phe4Leu (NM_001128429.3, NM_001128430.2, NM_001375855.1 and 3 more transcripts); short protein forms F4L.
Identifiers: ClinVar variation 5020429 (VCV005020429.1).